The following is an entry in ClinVar:

NM_138694.4(PKHD1):c.5910G>A (p.Gly1970=)

Gene: PKHD1 (PKHD1 ciliary IPT domain containing fibrocystin/polyductin; minus strand). Cytogenetic location: 6p12.2.
Variant type: single nucleotide variant.
Coding change: c.5910G>A on transcript NM_138694.4 (MANE Select); coding-DNA position 5910, G replaced by A.
Protein change: p.Gly1970=; no amino-acid change (glycine 1970 retained).
Molecular consequence: synonymous variant.
Genome position (GRCh38, 1-based): chr6:51,934,321, C>T on the plus strand (G>A on the coding strand, the complement: PKHD1 is on the minus strand). VCF-style: chr6-51934321-C-T. GRCh37 (hg19) VCF-style: chr6-51799119-C-T.
Other names: c.5910G>A, p.Gly1970= (NM_170724.3).
Identifiers: ClinVar variation 697302 (VCV000697302.17), dbSNP rs200730851, ClinGen allele CA3852379.
Genomic context (GRCh38, chr6:51,934,321, plus strand): 5'-AACAAGGATGGCGTGTGCCCTGAGCTCGATGGGTCCTGGGGCCATGAAAATCAGCTTGCC[C>T]CCTAATGGACAAAGGGAAAATTGTCAGTCCCTGGGAGGATAAGGCTTACCGTTTTGTCAG-3'
Protein context (NP_619639.3, residues 1960-1980): TSILNLLHIK[Gly1970=]GKLIFMAPGP

ClinVar aggregate classification (germline): Conflicting classifications of pathogenicity. Review status: criteria provided, conflicting classifications (1 of 4 stars). 4 submissions from 4 submitters: Uncertain significance (1); Benign (1). 2 of the submissions do not count toward it. Last evaluated 2026-01-09.

Conditions:
PKHD1-related disorder. Also called: PKHD1-related condition.
Autosomal recessive polycystic kidney disease (ARPKD). Also called: AR polycystic kidney disease. Identifiers: Orphanet 731, Orphanet 8378, MedGen C0085548, MeSH D017044, MONDO:0009889.

Allele frequency attached by ClinVar (database versions not stated): ESP Exome Variant Server 0.00008; gnomAD exomes 0.00010 and 0.00025; gnomAD 0.00012; TOPMed 0.00013; ExAC 0.00016.
gnomAD v4.1: 173 of 1,608,012 alleles (0.011%); highest among the groups gnomAD compares: Admixed American, 0.0067%; no homozygotes.

Submissions (4):

Labcorp Genetics (formerly Invitae), Labcorp
Classification: Benign for Autosomal recessive polycystic kidney disease. Last evaluated: 2026-01-09. Review status: criteria provided, single submitter. Criteria: Invitae Variant Classification Sherloc (09022015). Collection method: clinical testing. Allele origin: germline.

Illumina Laboratory Services, Illumina
Classification: Uncertain significance for Polycystic kidney disease 4. Last evaluated: 2018-01-13. Review status: criteria provided, single submitter. Criteria: ICSL Variant Classification Criteria 13 December 2019. Collection method: clinical testing. Allele origin: germline.

PreventionGenetics, part of Exact Sciences
Classification: Likely benign for PKHD1-related condition. Last evaluated: 2024-08-14. Review status: no assertion criteria provided. Collection method: clinical testing. Allele origin: germline. Not counted in ClinVar's aggregate classification.
Comment: This variant is classified as likely benign based on ACMG/AMP sequence variant interpretation guidelines (Richards et al. 2015 PMID: 25741868, with internal and published modifications).

Natera, Inc.
Classification: Likely benign for Autosomal recessive polycystic kidney disease. Last evaluated: 2020-04-17. Review status: no assertion criteria provided. Collection method: clinical testing. Allele origin: germline. Not counted in ClinVar's aggregate classification.